The following is an entry in ClinVar:

ClinVar aggregate classification (germline): Uncertain significance (1 of 4 stars; one submission).

Conditions:
Mendelian susceptibility to mycobacterial diseases due to complete ISG15 deficiency. Also called: Immunodeficiency 38; IMMUNODEFICIENCY 38, MYCOBACTERIOSIS, AUTOSOMAL RECESSIVE; ISG15 DEFICIENCY, AUTOSOMAL RECESSIVE; Immunodeficiency 38 with basal ganglia calcification. Identifiers: Orphanet 319563, MedGen C4015293, MONDO:0014502, OMIM 616126.

Submission:

Labcorp Genetics (formerly Invitae), Labcorp
Classification: Uncertain significance for Mendelian susceptibility to mycobacterial diseases due to complete ISG15 deficiency. Last evaluated: 2024-02-12. Review status: criteria provided, single submitter. Criteria: Invitae Variant Classification Sherloc (09022015). Collection method: clinical testing. Allele origin: germline.
Comment: This sequence change falls in intron 1 of the ISG15 gene. It does not directly change the encoded amino acid sequence of the ISG15 protein. It affects a nucleotide within the consensus splice site. This variant is not present in population databases (gnomAD no frequency). This variant has not been reported in the literature in individuals affected with ISG15-related conditions. ClinVar contains an entry for this variant (Variation ID: 2012325). Variants that disrupt the consensus splice site are a relatively common cause of aberrant splicing (PMID: 17576681, 9536098). Algorithms developed to predict the effect of sequence changes on RNA splicing suggest that this variant may disrupt the consensus splice site. In summary, the available evidence is currently insufficient to determine the role of this variant in disease. Therefore, it has been classified as a Variant of Uncertain Significance.

Literature cited by the submitters: PubMed 17576681; PubMed 9536098.

NM_005101.4(ISG15):c.3+5G>C

Gene: ISG15 (ISG15 ubiquitin like modifier; plus strand). Cytogenetic location: 1p36.33.
Variant type: single nucleotide variant.
Coding change: c.3+5G>C on transcript NM_005101.4 (MANE Select); 5 bases into the intron after coding-DNA position 3, G replaced by C.
Molecular consequence: intron variant.
Genome position (GRCh38, 1-based): chr1:1,013,581, G>C. VCF-style: chr1-1013581-G-C. GRCh37 (hg19) VCF-style: chr1-948961-G-C.
Identifiers: ClinVar variation 2012325 (VCV002012325.4), dbSNP rs2523125258, ClinGen allele CA2574198219.